The following is an entry in ClinVar:

NM_000297.4(PKD2):c.1551del (p.Ser518fs)

Gene: PKD2 (polycystin 2, transient receptor potential cation channel; plus strand). Cytogenetic location: 4q22.1.
Variant type: Deletion.
Coding change: c.1551del on transcript NM_000297.4 (MANE Select); coding-DNA position 1551, one base deleted (G; older notation c.1551delG).
Protein change: p.Ser518fs; shifts the reading frame from serine 518.
Molecular consequence: frameshift variant. On other transcripts: non-coding transcript variant (1).
Genome position (GRCh38, 1-based): chr4:88,051,993, G deleted. VCF-style (leftmost placement, unchanged base first): chr4-88051992-TG-T. GRCh37 (hg19) VCF-style: chr4-88973144-TG-T.
Other names: c.1551del (NM_000297.3); c.1551delG (NM_000297.4); short protein forms S518fs.
Identifiers: ClinVar variation 873343 (VCV000873343.12), dbSNP rs776718970, ClinGen allele CA3003991.
Genomic context (GRCh38, chr4:88,051,992, plus strand): 5'-TAAGGTAAGTTTCATATTTCTAAAACACTGTAATAAAATATAAATATTTTGCTTTTCAGC[TG>T]TCAGTGGTAGCTATAGGAATTAACATATACAGAACATCAAATGTGGAGGTGCTACTACAG-3'

ClinVar aggregate classification (germline): Pathogenic. Review status: criteria provided, multiple submitters, no conflicts (2 of 4 stars). 5 submissions from 5 submitters: Pathogenic (5). Last evaluated 2025-06-23.

Conditions:
PKD2-related disorder. Also called: PKD2-related condition.
Polycystic kidney disease 2 (PKD2). Also called: Polycystic Kidney Disease 2, Autosomal Dominant; POLYCYSTIC KIDNEY DISEASE 2 WITH OR WITHOUT POLYCYSTIC LIVER DISEASE; POLYCYSTIC KIDNEY DISEASE, ADULT, TYPE II. Identifiers: MedGen C2751306, MONDO:0013131, OMIM 613095.

Allele frequency attached by ClinVar (database versions not stated): gnomAD exomes below 0.00001; ExAC 0.00001.

Submissions (5):

Clinical Genetics and Genomics, Karolinska University Hospital
Classification: Pathogenic for Polycystic kidney disease 2. Last evaluated: 2025-06-23. Review status: criteria provided, single submitter. Criteria: ACMG Guidelines, 2015. Collection method: clinical testing. Allele origin: germline. Inheritance: Autosomal dominant inheritance. Affected: yes.

CeGaT Center for Human Genetics Tuebingen
Classification: Pathogenic. Last evaluated: 2025-06-01. Review status: criteria provided, single submitter. Criteria: CeGaT Center For Human Genetics Tuebingen Variant Classification Criteria Version 2. Collection method: clinical testing. Allele origin: germline. Affected: yes. Observed: 1 variant allele.
Comment: PKD2: PVS1, PM2, PS4:Supporting

Blueprint Genetics
Classification: Pathogenic for PKD2-related disorders. Last evaluated: 2024-04-23. Review status: criteria provided, single submitter. Criteria: ACMG Guidelines, 2015. Collection method: clinical testing. Allele origin: germline. Affected: yes. Observed: 5 variant alleles.

Department of Pathology and Laboratory Medicine, Sinai Health System
Classification: Pathogenic for Polycystic kidney disease 2. Last evaluated: 2020-08-14. Review status: criteria provided, single submitter. Criteria: ACMG Guidelines, 2015. Collection method: clinical testing. Allele origin: germline. Affected: yes.

Cavalleri Lab, Royal College of Surgeons in Ireland
Classification: Pathogenic for Polycystic kidney disease 2. Last evaluated: 2020-02-05. Review status: criteria provided, single submitter. Criteria: ACMG Guidelines, 2015. Collection method: research. Allele origin: unknown. Inheritance: Autosomal dominant inheritance. Affected: yes.
Comment: PVS1, PP4, PP5